The following is an entry in ClinVar:

ClinVar aggregate classification (germline): Pathogenic (0 of 4 stars; one submission).

Conditions:
46,XY sex reversal 1. Also called: SRY-related 46,XY complete gonadal dysgenesis; 46,XY SEX REVERSAL, SRY-RELATED. Identifiers: Orphanet 242, MedGen C2748896, MONDO:0020712, OMIM 400044.

Submission:

Human Developmental Genetics, Institut Pasteur
Classification: Pathogenic for 46,XY sex reversal 1. Last evaluated: 2024-02-20. Review status: no assertion criteria provided. Collection method: research. Allele origin: paternal, not applicable. Inheritance: Y-linked inheritance. Affected: yes. Observed: 1 hemizygote. Functional consequence: effect on transcription.
Comment: Supported by segregation analysis, absence from controls, in silico modelling and functional evidence.

NC_000024.10:g.2792795A>G

Variant type: single nucleotide variant.
Genome position: GRCh38 VCF-style: chrY-2792795-A-G. GRCh37 (hg19) VCF-style: chrY-2660836-A-G.
Identifiers: ClinVar variation 3024128 (VCV003024128.2), dbSNP rs2521871782, ClinGen allele CA2740090175.
Genomic context (GRCh38, chrY:2,792,795, plus strand): 5'-CCATAAAATGAAGGTCACTTTTGATCTTTTCCAGGGTCTTCCTTCAGTTCCTTTTTGTCC[A>G]AGGCTAACTACACTCCTCTTTGTCTAGTGAGCCAGCAGCTGTTTGACCAAGAACCATTTT-3'